The following is an entry in ClinVar:

ClinVar aggregate classification (germline): Uncertain significance. Review status: criteria provided, multiple submitters, no conflicts (2 of 4 stars). 3 submissions from 3 submitters: Uncertain significance (3). Last evaluated 2025-04-03.

Conditions:
Hereditary cancer-predisposing syndrome. Also called: Hereditary Cancer Syndrome; Tumor predisposition; Neoplastic Syndromes, Hereditary; Hereditary neoplastic syndrome. Identifiers: Orphanet 140162, MedGen C0027672, MeSH D009386, MONDO:0015356.

Allele frequency attached by ClinVar (database versions not stated): TOPMed below 0.00001; gnomAD 0.00001.

Submissions (3):

Ambry Genetics
Classification: Uncertain significance for Hereditary cancer-predisposing syndrome. Last evaluated: 2025-04-03. Review status: criteria provided, single submitter. Criteria: Ambry Variant Classification Scheme 2023. Collection method: clinical testing. Allele origin: germline.
Comment: The p.R341C variant (also known as c.1021C>T), located in coding exon 6 of the CTNNA1 gene, results from a C to T substitution at nucleotide position 1021. The arginine at codon 341 is replaced by cysteine, an amino acid with highly dissimilar properties. This amino acid position is conserved. In addition, this alteration is predicted to be deleterious by in silico analysis. Based on the available evidence, the clinical significance of this variant remains unclear.

Labcorp Genetics (formerly Invitae), Labcorp
Classification: Uncertain significance. Last evaluated: 2025-01-26. Review status: criteria provided, single submitter. Criteria: Invitae Variant Classification Sherloc (09022015). Collection method: clinical testing. Allele origin: germline.
Comment: This sequence change replaces arginine, which is basic and polar, with cysteine, which is neutral and slightly polar, at codon 341 of the CTNNA1 protein (p.Arg341Cys). This variant is not present in population databases (gnomAD no frequency). This variant has not been reported in the literature in individuals affected with CTNNA1-related conditions. ClinVar contains an entry for this variant (Variation ID: 864468). Invitae Evidence Modeling of protein sequence and biophysical properties (such as structural, functional, and spatial information, amino acid conservation, physicochemical variation, residue mobility, and thermodynamic stability) indicates that this missense variant is expected to disrupt CTNNA1 protein function with a positive predictive value of 80%. In summary, the available evidence is currently insufficient to determine the role of this variant in disease. Therefore, it has been classified as a Variant of Uncertain Significance.

GeneDx
Classification: Uncertain significance. Last evaluated: 2022-09-21. Review status: criteria provided, single submitter. Criteria: GeneDx Variant Classification Process June 2021. Collection method: clinical testing. Allele origin: germline. Affected: yes.
Comment: Not observed at significant frequency in large population cohorts (gnomAD); In silico analysis supports that this missense variant has a deleterious effect on protein structure/function; Has not been previously published as pathogenic or benign to our knowledge

NM_001903.5(CTNNA1):c.1021C>T (p.Arg341Cys)

Gene: CTNNA1 (catenin alpha 1; plus strand). Cytogenetic location: 5q31.2.
Variant type: single nucleotide variant.
Coding change: c.1021C>T on transcript NM_001903.5 (MANE Select); coding-DNA position 1021, C replaced by T.
Protein change: p.Arg341Cys; replaces arginine 341 with cysteine.
Molecular consequence: missense variant.
Genome position (GRCh38, 1-based): chr5:138,827,677, C>T. VCF-style: chr5-138827677-C-T. GRCh37 (hg19) VCF-style: chr5-138163366-C-T.
Other names: c.1021C>T (NM_001903.2); c.1021C>T, p.Arg341Cys (NM_001290307.3, NM_001323982.2, NM_001323983.1 and 3 more transcripts); c.712C>T, p.Arg238Cys (NM_001290309.3); c.652C>T, p.Arg218Cys (NM_001290310.3); short protein forms R341C, R218C, R238C.
Identifiers: ClinVar variation 864468 (VCV000864468.11), dbSNP rs1760857124, ClinGen allele CA361131200.